The following is an entry in ClinVar:

ClinVar aggregate classification (germline): Likely benign (1 of 4 stars; one submission).

Conditions:
GLI3-related disorder. Also called: GLI3-related condition; GLI3-related disorders. Identifiers: MedGen CN239292.

gnomAD v4.1: 17 of 1,613,200 alleles (0.0011%); highest among the groups gnomAD compares: African/African-American, 0.017%; no homozygotes.

Submission:

PreventionGenetics, part of Exact Sciences
Classification: Likely benign for GLI3-related condition. Last evaluated: 2026-06-19. Review status: criteria provided, single submitter. Criteria: ACMG Guidelines, 2015. Collection method: clinical testing. Allele origin: germline.
Comment: This variant is classified as likely benign based on ACMG/AMP sequence variant interpretation guidelines (Richards et al. 2015 PMID: 25741868, with internal and published modifications).

NM_000168.6(GLI3):c.1932G>A (p.Gly644=)

Gene: GLI3 (GLI family zinc finger 3; minus strand). Cytogenetic location: 7p14.1.
Variant type: single nucleotide variant.
Coding change: c.1932G>A on transcript NM_000168.6 (MANE Select); coding-DNA position 1932, G replaced by A.
Protein change: p.Gly644=; no amino-acid change (glycine 644 retained).
Molecular consequence: synonymous variant.
Genome position (GRCh38, 1-based): chr7:41,972,508, C>T on the plus strand (G>A on the coding strand, the complement: GLI3 is on the minus strand). VCF-style: chr7-41972508-C-T. GRCh37 (hg19) VCF-style: chr7-42012107-C-T.
Identifiers: ClinVar variation 4995591 (VCV004995591.1).